The following is an entry in ClinVar:

ClinVar aggregate classification (germline): Pathogenic (1 of 4 stars; one submission).

Conditions:
Polycystic kidney disease 2 (PKD2). Also called: Polycystic Kidney Disease 2, Autosomal Dominant; POLYCYSTIC KIDNEY DISEASE 2 WITH OR WITHOUT POLYCYSTIC LIVER DISEASE; POLYCYSTIC KIDNEY DISEASE, ADULT, TYPE II. Identifiers: MedGen C2751306, MONDO:0013131, OMIM 613095.

Submission:

MVZ Medizinische Genetik Mainz
Classification: Pathogenic for Polycystic kidney disease 2. Last evaluated: 2022-09-02. Review status: criteria provided, single submitter. Criteria: UK Practice Guidelines For Variant Classification V4 01 2020. Collection method: clinical testing. Allele origin: germline. Inheritance: Autosomal dominant inheritance. Affected: yes. Observed: 1 variant allele.
Comment: ACMG Criteria: PVS1, PM2_SUP, PP4

NM_000297.4(PKD2):c.1217_1223del (p.Val406fs)

Gene: PKD2 (polycystin 2, transient receptor potential cation channel; plus strand). Cytogenetic location: 4q22.1.
Variant type: Deletion.
Coding change: c.1217_1223del on transcript NM_000297.4 (MANE Select); coding-DNA positions 1217 to 1223, 7 bases deleted (TTGCTAG; older notation c.1217_1223delTTGCTAG).
Protein change: p.Val406fs; shifts the reading frame from valine 406.
Molecular consequence: frameshift variant. On other transcripts: non-coding transcript variant (1).
Genome position (GRCh38, 1-based): chr4:88,043,355-88,043,361, TTGCTAG deleted; deleting any 7 consecutive bases within chr4:88,043,353-88,043,361 gives the same sequence; the c. name uses the placement nearest the transcript's 3' end. VCF-style (leftmost placement, unchanged base first): chr4-88043352-AAGTTGCT-A. GRCh37 (hg19) VCF-style: chr4-88964504-AAGTTGCT-A.
Other names: short protein forms V406fs.
Identifiers: ClinVar variation 3236202 (VCV003236202.1), dbSNP rs2475916022, ClinGen allele CA2825001317.